The following is an entry in ClinVar:

NM_000183.3(HADHB):c.745C>G (p.His249Asp)

Gene: HADHB (hydroxyacyl-CoA dehydrogenase trifunctional multienzyme complex subunit beta; plus strand). Cytogenetic location: 2p23.3.
Variant type: single nucleotide variant.
Coding change: c.745C>G on transcript NM_000183.3 (MANE Select); coding-DNA position 745, C replaced by G.
Protein change: p.His249Asp; replaces histidine 249 with aspartic acid.
Molecular consequence: missense variant.
Genome position (GRCh38, 1-based): chr2:26,279,249, C>G. VCF-style: chr2-26279249-C-G. GRCh37 (hg19) VCF-style: chr2-26502117-C-G.
Other names: c.700C>G, p.His234Asp (NM_001281512.2); c.679C>G, p.His227Asp (NM_001281513.2); short protein forms H227D, H234D, H249D.
Identifiers: ClinVar variation 1698236 (VCV001698236.2), dbSNP rs1438663446, ClinGen allele CA346093064.

ClinVar aggregate classification (germline): Uncertain significance (1 of 4 stars; one submission).

Submission:

GeneDx
Classification: Uncertain significance. Last evaluated: 2022-01-25. Review status: criteria provided, single submitter. Criteria: GeneDx Variant Classification Process June 2021. Collection method: clinical testing. Allele origin: germline. Affected: yes.
Comment: Has not been previously published as pathogenic or benign to our knowledge; Not observed at significant frequency in large population cohorts (gnomAD); In silico analysis supports that this missense variant has a deleterious effect on protein structure/function